The following is an entry in ClinVar:

NM_177438.3(DICER1):c.1404T>G (p.Asp468Glu)

Gene: DICER1 (dicer 1, ribonuclease III; minus strand). Cytogenetic location: 14q32.13.
Variant type: single nucleotide variant.
Coding change: c.1404T>G on transcript NM_177438.3 (MANE Select); coding-DNA position 1404, T replaced by G.
Protein change: p.Asp468Glu; replaces aspartic acid 468 with glutamic acid.
Molecular consequence: missense variant.
Genome position (GRCh38, 1-based): chr14:95,117,727, A>C on the plus strand (T>G on the coding strand, the complement: DICER1 is on the minus strand). VCF-style: chr14-95117727-A-C. GRCh37 (hg19) VCF-style: chr14-95584064-A-C.
Other names: c.1404T>G, p.Asp468Glu (NM_001195573.1, NM_001271282.3, NM_001291628.2 and 1 more transcripts); short protein forms D468E.
Identifiers: ClinVar variation 1525887 (VCV001525887.9), dbSNP rs2140138610, ClinGen allele CA390885643.
Genomic context (GRCh38, chr14:95,117,727, plus strand): 5'-CTGATTCTTCCCAATGCCATGTCCAGTTATGAAATTGCTACTGATATAAGCCAGCTCTGG[A>C]TCTTGTTTGCCAGCTTCCTTTATCAATCTAAGAAAATTATACACATTTGGAAGTTAAACG-3'
Protein context (NP_803187.1, residues 458-478): NRLIKEAGKQ[Asp468Glu]PELAYISSNF

ClinVar aggregate classification (germline): Uncertain significance (1 of 4 stars; one submission).

Conditions:
DICER1-related tumor predisposition. Also called: DICER1 syndrome; DICER1-related pleuropulmonary blastoma cancer predisposition syndrome. Identifiers: Orphanet 284343, MedGen C3839822, MONDO:0100216.

Submission:

Labcorp Genetics (formerly Invitae), Labcorp
Classification: Uncertain significance for DICER1-related tumor predisposition. Last evaluated: 2023-02-28. Review status: criteria provided, single submitter. Criteria: Invitae Variant Classification Sherloc (09022015). Collection method: clinical testing. Allele origin: germline.
Comment: In summary, the available evidence is currently insufficient to determine the role of this variant in disease. Therefore, it has been classified as a Variant of Uncertain Significance. Advanced modeling of protein sequence and biophysical properties (such as structural, functional, and spatial information, amino acid conservation, physicochemical variation, residue mobility, and thermodynamic stability) performed at Invitae indicates that this missense variant is not expected to disrupt DICER1 protein function. ClinVar contains an entry for this variant (Variation ID: 1525887). This variant has not been reported in the literature in individuals affected with DICER1-related conditions. This variant is not present in population databases (gnomAD no frequency). This sequence change replaces aspartic acid, which is acidic and polar, with glutamic acid, which is acidic and polar, at codon 468 of the DICER1 protein (p.Asp468Glu).